The following is an entry in ClinVar:

NM_000222.3(KIT):c.229A>G (p.Asn77Asp)

Gene: KIT (KIT proto-oncogene, receptor tyrosine kinase; plus strand). Cytogenetic location: 4q12.
Variant type: single nucleotide variant.
Coding change: c.229A>G on transcript NM_000222.3 (MANE Select); coding-DNA position 229, A replaced by G.
Protein change: p.Asn77Asp; replaces asparagine 77 with aspartic acid.
Molecular consequence: missense variant.
Genome position (GRCh38, 1-based): chr4:54,695,673, A>G. VCF-style: chr4-54695673-A-G. GRCh37 (hg19) VCF-style: chr4-55561839-A-G.
Other names: c.229A>G, p.Asn77Asp (NM_001093772.2, NM_001385284.1, NM_001385285.1 and 4 more transcripts); short protein forms N77D.
Identifiers: ClinVar variation 1908373 (VCV001908373.5), dbSNP rs2109661891, ClinGen allele CA356897113.

ClinVar aggregate classification (germline): Uncertain significance (1 of 4 stars; one submission).

Conditions:
Gastrointestinal stromal tumor. Also called: Gastrointestinal stromal tumor, somatic; Gastrointestinal stroma tumor. Identifiers: Orphanet 44890, MedGen C0238198, MeSH D046152, MONDO:0011719, OMIM 606764, HP:0100723.

Submission:

Labcorp Genetics (formerly Invitae), Labcorp
Classification: Uncertain significance for Gastrointestinal stromal tumor. Last evaluated: 2022-09-27. Review status: criteria provided, single submitter. Criteria: Invitae Variant Classification Sherloc (09022015). Collection method: clinical testing. Allele origin: germline.
Comment: This variant has not been reported in the literature in individuals affected with KIT-related conditions. This sequence change replaces asparagine, which is neutral and polar, with aspartic acid, which is acidic and polar, at codon 77 of the KIT protein (p.Asn77Asp). This variant is not present in population databases (gnomAD no frequency). Algorithms developed to predict the effect of missense changes on protein structure and function (SIFT, PolyPhen-2, Align-GVGD) all suggest that this variant is likely to be tolerated. In summary, the available evidence is currently insufficient to determine the role of this variant in disease. Therefore, it has been classified as a Variant of Uncertain Significance.